The following is an entry in ClinVar:

NM_001079872.2(CUL4B):c.782C>A (p.Ser261Ter)

Gene: CUL4B (cullin 4B; minus strand). Cytogenetic location: Xq24.
Variant type: single nucleotide variant.
Coding change: c.782C>A on transcript NM_001079872.2 (MANE Select); coding-DNA position 782, C replaced by A.
Protein change: p.Ser261Ter; replaces serine 261 with a stop codon.
Molecular consequence: nonsense.
Genome position (GRCh38, 1-based): chrX:120,546,611, G>T on the plus strand (C>A on the coding strand, the complement: CUL4B is on the minus strand). VCF-style: chrX-120546611-G-T. GRCh37 (hg19) VCF-style: chrX-119680466-G-T.
Other names: c.797C>A, p.Ser266Ter (NM_001330624.2); c.248C>A, p.Ser83Ter (NM_001369145.1); c.836C>A, p.Ser279Ter (NM_003588.4); short protein forms S261*, S279*, S266*, S83*.
Identifiers: ClinVar variation 5000857 (VCV005000857.1).

ClinVar aggregate classification (germline): Likely pathogenic (1 of 4 stars; one submission).

Conditions:
CUL4B-related disorder. Also called: CUL4B-related condition.

Submission:

PreventionGenetics, part of Exact Sciences
Classification: Likely pathogenic for CUL4B-related condition. Last evaluated: 2025-06-13. Review status: criteria provided, single submitter. Criteria: ACMG Guidelines, 2015. Collection method: clinical testing. Allele origin: germline.
Comment: The CUL4B c.836C>A variant is predicted to result in premature protein termination (p.Ser279*). To our knowledge, this variant has not been reported in the literature or in a large population database (gnomAD), indicating this variant is rare. Nonsense variants in CUL4B are expected to be pathogenic. This variant is interpreted as likely pathogenic.